The following is an entry in ClinVar:

ClinVar aggregate classification (germline): Uncertain significance (1 of 4 stars; one submission).

Conditions:
Hypertrophic cardiomyopathy. Also called: HYPERTROPHIC MYOCARDIOPATHY. Identifiers: Orphanet 217569, MedGen C0007194, MeSH D002312, MONDO:0005045, HP:0001639.

Submission:

Labcorp Genetics (formerly Invitae), Labcorp
Classification: Uncertain significance for Hypertrophic cardiomyopathy. Last evaluated: 2016-05-14. Review status: criteria provided, single submitter. Criteria: Invitae Variant Classification Sherloc (09022015). Collection method: clinical testing. Allele origin: germline.
Comment: In summary, this variant is a novel missense change with uncertain impact on protein function. It has been classified as a Variant of Uncertain Significance. Algorithms developed to predict the effect of missense changes on protein structure and function do not agree on the potential impact of this missense change (SIFT: "Deleterious"; PolyPhen-2: "Probably Damaging"; Align-GVGD: "Class C0"). This variant is not present in population databases (ExAC no frequency) and has not been reported in the literature in individuals with a MYH7-related disease. This sequence change replaces leucine with proline at codon 396 of the MYH7 protein (p.Leu396Pro). The leucine residue is highly conserved and there is a moderate physicochemical difference between leucine and proline.

NM_000257.4(MYH7):c.1187T>C (p.Leu396Pro)

Gene: MYH7 (myosin heavy chain 7; minus strand). Cytogenetic location: 14q11.2.
Variant type: single nucleotide variant.
Coding change: c.1187T>C on transcript NM_000257.4 (MANE Select); coding-DNA position 1187, T replaced by C.
Protein change: p.Leu396Pro; replaces leucine 396 with proline.
Molecular consequence: missense variant.
Genome position (GRCh38, 1-based): chr14:23,429,299, A>G on the plus strand (T>C on the coding strand, the complement: MYH7 is on the minus strand). VCF-style: chr14-23429299-A-G. GRCh37 (hg19) VCF-style: chr14-23898508-A-G.
Other names: c.1187T>C (LRG_384t1); short protein forms L396P.
Identifiers: ClinVar variation 407192 (VCV000407192.8), dbSNP rs1060501447, ClinGen allele CA16614095.